The following is an entry in ClinVar:

ClinVar aggregate classification (germline): Uncertain significance (1 of 4 stars; one submission).

Conditions:
SIM1-related disorder. Also called: SIM1-related disorders; SIM1-related condition.

gnomAD v4.1: 2 of 1,612,626 alleles (0.00012%); highest among the groups gnomAD compares: Admixed American, 0.0017%; no homozygotes.

Submission:

PreventionGenetics, part of Exact Sciences
Classification: Uncertain significance for SIM1-related condition. Last evaluated: 2025-10-02. Review status: criteria provided, single submitter. Criteria: ACMG Guidelines, 2015. Collection method: clinical testing. Allele origin: germline.
Comment: The SIM1 c.543+5G>C variant is predicted to interfere with splicing. This variant is predicted to impact splicing based on splicing prediction programs (SpliceAI, Jaganathan et al. 2019. PubMed ID: 30661751). However, the use of computer prediction programs is not equivalent to functional evidence. To our knowledge, this variant has not been reported in the literature. This variant is reported in 0.0029% of alleles in individuals of Latino descent in gnomAD. Although we suspect that this variant may be pathogenic, at this time, the clinical significance of this variant is uncertain due to the absence of conclusive functional and genetic evidence.

NM_005068.3(SIM1):c.543+5G>C

Gene: SIM1 (SIM bHLH transcription factor 1; minus strand). Cytogenetic location: 6q16.3.
Variant type: single nucleotide variant.
Coding change: c.543+5G>C on transcript NM_005068.3 (MANE Select); 5 bases into the intron after coding-DNA position 543, G replaced by C.
Molecular consequence: intron variant.
Genome position (GRCh38, 1-based): chr6:100,449,358, C>G on the plus strand (G>C on the coding strand, the complement: SIM1 is on the minus strand). VCF-style: chr6-100449358-C-G. GRCh37 (hg19) VCF-style: chr6-100897234-C-G.
Other names: c.543+5G>C (NM_001374769.1).
Identifiers: ClinVar variation 5001168 (VCV005001168.1).